The following is an entry in ClinVar:

NM_002878.4(RAD51D):c.264-3_264-1delinsA

Genes: RAD51D (RAD51 paralog D; minus strand), RAD51L3-RFFL (RAD51L3-RFFL readthrough; minus strand). Cytogenetic location: 17q12.
Variant type: Indel.
Coding change: c.264-3_264-1delinsA on transcript NM_002878.4 (MANE Select); 3 bases into the intron before coding-DNA position 264 through the canonical splice acceptor site of the intron before coding-DNA position 264, CAG replaced by A.
Molecular consequence: splice acceptor variant. On other transcripts: intron variant (1).
Genome position (GRCh38, 1-based): chr17:35,107,448-35,107,450, CTG replaced by T on the plus strand (CAG replaced by A on the coding strand, the reverse complement: RAD51D is on the minus strand). VCF-style: chr17-35107448-CTG-T. GRCh37 (hg19) VCF-style: chr17-33434467-CTG-T.
Other names: c.145-969_145-967delinsA (NM_133629.3); c.324-3_324-1delinsA (NM_001142571.2).
Identifiers: ClinVar variation 4543346 (VCV004543346.1).

ClinVar aggregate classification (germline): Uncertain significance (1 of 4 stars; one submission).

Conditions:
Hereditary cancer-predisposing syndrome. Also called: Tumor predisposition; Hereditary Cancer Syndrome; Hereditary neoplastic syndrome; Neoplastic Syndromes, Hereditary. Identifiers: Orphanet 140162, MedGen C0027672, MeSH D009386, MONDO:0015356.

Submission:

Ambry Genetics
Classification: Uncertain significance for Hereditary cancer-predisposing syndrome. Last evaluated: 2025-12-09. Review status: criteria provided, single submitter. Criteria: Ambry Variant Classification Scheme 2023. Collection method: clinical testing. Allele origin: germline.
Comment: The c.264-3_264-1delCAGinsA intronic variant, located in intron 3 of the RAD51D gene, results from the deletion of CAG and the insertion of A at nucleotide positions c.264-3 to c.264-1. This nucleotide region is highly conserved in available vertebrate species. In silico splice site analysis predicts that this alteration will weaken the native splice acceptor site; however, direct evidence is insufficient at this time (Ambry internal data). RNA studies in the literature have shown that exons 3 through 5 are excluded in several naturally occurring RAD51D transcripts (Davy G et al. Eur. J. Hum. Genet., 2017 10;25:1147-1154). Based on the available evidence, the clinical significance of this variant remains unclear.